The following is an entry in ClinVar:

NM_003242.6(TGFBR2):c.742A>G (p.Thr248Ala)

Gene: TGFBR2 (transforming growth factor beta receptor 2; plus strand). Cytogenetic location: 3p24.1.
Variant type: single nucleotide variant.
Coding change: c.742A>G on transcript NM_003242.6 (MANE Select); coding-DNA position 742, A replaced by G.
Protein change: p.Thr248Ala; replaces threonine 248 with alanine.
Molecular consequence: missense variant. On other transcripts: intron variant (1).
Genome position (GRCh38, 1-based): chr3:30,671,925, A>G. VCF-style: chr3-30671925-A-G. GRCh37 (hg19) VCF-style: chr3-30713417-A-G.
Other names: c.817A>G, p.Thr273Ala (NM_001024847.3); c.925A>G, p.Thr309Ala (NM_001407126.1); c.850A>G, p.Thr284Ala (NM_001407127.1); c.769A>G, p.Thr257Ala (NM_001407128.1); c.745A>G, p.Thr249Ala (NM_001407129.1); c.742A>G, p.Thr248Ala (NM_001407130.1); c.637A>G, p.Thr213Ala (NM_001407132.1, NM_001407133.1, NM_001407134.1 and 2 more transcripts); c.457A>G, p.Thr153Ala (NM_001407137.1); and 2 more; short protein forms T128A, T153A, T213A, T248A, T249A, T257A, T273A, T284A.
Identifiers: ClinVar variation 4801607 (VCV004801607.1).
Genomic context (GRCh38, chr3:30,671,925, plus strand): 5'-AGCTCCACGTGTGCCAACAACATCAACCACAACACAGAGCTGCTGCCCATTGAGCTGGAC[A>G]CCCTGGTGGGGAAAGGTCGCTTTGCTGAGGTCTATAAGGCCAAGCTGAAGCAGAACACTT-3'
Protein context (NP_003233.4, residues 238-258): NTELLPIELD[Thr248Ala]LVGKGRFAEV

ClinVar aggregate classification (germline): Uncertain significance (1 of 4 stars; one submission).

Conditions:
Familial thoracic aortic aneurysm and aortic dissection (TAAD). Also called: Thoracic aortic aneurysms and dissections. Identifiers: Orphanet 91387, MedGen C4707243, MONDO:0019625.

gnomAD v4.1: 1 of 1,614,186 alleles (0.000062%); no homozygotes.

Submission:

Labcorp Genetics (formerly Invitae), Labcorp
Classification: Uncertain significance for Familial thoracic aortic aneurysm and aortic dissection. Last evaluated: 2025-08-05. Review status: criteria provided, single submitter. Criteria: Invitae Variant Classification Sherloc (09022015). Collection method: clinical testing. Allele origin: germline.
Comment: This sequence change replaces threonine, which is neutral and polar, with alanine, which is neutral and non-polar, at codon 248 of the TGFBR2 protein (p.Thr248Ala). This variant is present in population databases (no rsID available, gnomAD 0.004%). This variant has not been reported in the literature in individuals affected with TGFBR2-related conditions. Invitae Evidence Modeling of protein sequence and biophysical properties (such as structural, functional, and spatial information, amino acid conservation, physicochemical variation, residue mobility, and thermodynamic stability) indicates that this missense variant is not expected to disrupt TGFBR2 protein function with a negative predictive value of 95%. In summary, the available evidence is currently insufficient to determine the role of this variant in disease. Therefore, it has been classified as a Variant of Uncertain Significance.